The following is an entry in ClinVar:

NM_001908.5(CTSB):c.125A>T (p.Gln42Leu)

Genes: CTSB (cathepsin B), LOC121268921 (Sharpr-MPRA regulatory region 10233). Cytogenetic location: 8p23.1.
Variant type: single nucleotide variant.
Coding change: c.125A>T on transcript NM_001908.5 (MANE Select); coding-DNA position 125, A replaced by T.
Protein change: p.Gln42Leu; replaces glutamine 42 with leucine.
Molecular consequence: missense variant. On other transcripts: 5 prime UTR variant (1).
Genome position (GRCh38, 1-based): chr8:11,853,330, T>A on the plus strand (A>T on the coding strand, the complement: CTSB is on the minus strand). VCF-style: chr8-11853330-T-A. GRCh37 (hg19) VCF-style: chr8-11710839-T-A.
Other names: c.-129A>T (NM_001317237.2); c.125A>T, p.Gln42Leu (NM_001384714.1, NM_001384723.1, NM_001384724.1 and 8 more transcripts); short protein forms Q42L.
Identifiers: ClinVar variation 1484085 (VCV001484085.6), dbSNP rs2131059073, ClinGen allele CA370322618.
Genomic context (GRCh38, chr8:11,853,330, plus strand): 5'-TCAGTGTGCACAGACCGACCTGGGAGGGGACATACATAGGACGCAGCCCCACAGCCTACC[T>A]GCCACGTGGTATTCCGTTTGTTGACATAGTTGACCAGCTCATCCGACAGGGGATGGAAAG-3'
Protein context (NP_001899.1, residues 32-52): NYVNKRNTTW[Gln42Leu]AGHNFYNVDM

ClinVar aggregate classification (germline): Uncertain significance (1 of 4 stars; one submission).

Allele frequency attached by ClinVar (database versions not stated): gnomAD exomes 0.00001.
gnomAD v4.1: 6 of 1,613,270 alleles (0.00037%); highest among the groups gnomAD compares: Non-Finnish European, 0.00051%; no homozygotes.

Submission:

Labcorp Genetics (formerly Invitae), Labcorp
Classification: Uncertain significance. Last evaluated: 2023-12-06. Review status: criteria provided, single submitter. Criteria: Invitae Variant Classification Sherloc (09022015). Collection method: clinical testing. Allele origin: germline.
Comment: This sequence change replaces glutamine, which is neutral and polar, with leucine, which is neutral and non-polar, at codon 42 of the CTSB protein (p.Gln42Leu). This variant is not present in population databases (gnomAD no frequency). This variant has not been reported in the literature in individuals affected with CTSB-related conditions. ClinVar contains an entry for this variant (Variation ID: 1484085). An algorithm developed to predict the effect of missense changes on protein structure and function (PolyPhen-2) suggests that this variant is likely to be tolerated. In summary, the available evidence is currently insufficient to determine the role of this variant in disease. Therefore, it has been classified as a Variant of Uncertain Significance.